The following is an entry in ClinVar:

NM_138459.5(NUS1):c.596A>G (p.Asp199Gly)

Gene: NUS1 (NUS1 dehydrodolichyl diphosphate synthase subunit; plus strand). Cytogenetic location: 6q22.1.
Variant type: single nucleotide variant.
Coding change: c.596A>G on transcript NM_138459.5 (MANE Select); coding-DNA position 596, A replaced by G.
Protein change: p.Asp199Gly; replaces aspartic acid 199 with glycine.
Molecular consequence: missense variant.
Genome position (GRCh38, 1-based): chr6:117,694,085, A>G. VCF-style: chr6-117694085-A-G. GRCh37 (hg19) VCF-style: chr6-118015248-A-G.
Other names: short protein forms D199G.
Identifiers: ClinVar variation 2049959 (VCV002049959.4), dbSNP rs765038821, ClinGen allele CA3977147.

ClinVar aggregate classification (germline): Uncertain significance (1 of 4 stars; one submission).

Conditions:
Congenital disorder of glycosylation, type Iaa. Also called: Congenital disorder of glycosylation, type 1aa. Identifiers: MedGen C4310727, MONDO:0014904, OMIM 617082.

Allele frequency attached by ClinVar (database versions not stated): gnomAD exomes 0.00003; ExAC 0.00007.
gnomAD v4.1: 43 of 1,612,748 alleles (0.0027%); highest among the groups gnomAD compares: South Asian, 0.036%; no homozygotes.

Submission:

Labcorp Genetics (formerly Invitae), Labcorp
Classification: Uncertain significance for Congenital disorder of glycosylation, type Iaa. Last evaluated: 2024-08-29. Review status: criteria provided, single submitter. Criteria: Invitae Variant Classification Sherloc (09022015). Collection method: clinical testing. Allele origin: germline.
Comment: This sequence change replaces aspartic acid, which is acidic and polar, with glycine, which is neutral and non-polar, at codon 199 of the NUS1 protein (p.Asp199Gly). This variant is present in population databases (rs765038821, gnomAD 0.05%), and has an allele count higher than expected for a pathogenic variant. This variant has not been reported in the literature in individuals affected with NUS1-related conditions. ClinVar contains an entry for this variant (Variation ID: 2049959). An algorithm developed to predict the effect of missense changes on protein structure and function (PolyPhen-2) suggests that this variant is likely to be tolerated. Algorithms developed to predict the effect of sequence changes on RNA splicing suggest that this variant may create or strengthen a splice site. In summary, the available evidence is currently insufficient to determine the role of this variant in disease. Therefore, it has been classified as a Variant of Uncertain Significance.